The following is an entry in ClinVar:

NM_005430.4(WNT1):c.755G>C (p.Gly252Ala)

Gene: WNT1 (Wnt family member 1; plus strand). Cytogenetic location: 12q13.12.
Variant type: single nucleotide variant.
Coding change: c.755G>C on transcript NM_005430.4 (MANE Select); coding-DNA position 755, G replaced by C.
Protein change: p.Gly252Ala; replaces glycine 252 with alanine.
Molecular consequence: missense variant.
Genome position (GRCh38, 1-based): chr12:48,981,282, G>C. VCF-style: chr12-48981282-G-C. GRCh37 (hg19) VCF-style: chr12-49375065-G-C.
Other names: c.755G>C (NM_005430.3); short protein forms G252A.
Identifiers: ClinVar variation 2173925 (VCV002173925.5), dbSNP rs761355556, ClinGen allele CA6544469.

ClinVar aggregate classification (germline): Uncertain significance. Review status: criteria provided, multiple submitters, no conflicts (2 of 4 stars). 2 submissions from 2 submitters: Uncertain significance (2). Last evaluated 2024-10-06.

Conditions:
Inborn genetic diseases. Identifiers: MedGen C0950123, MeSH D030342.

Allele frequency attached by ClinVar (database versions not stated): ExAC 0.00002; gnomAD 0.00002; TOPMed 0.00010.
gnomAD v4.1: 12 of 1,597,806 alleles (0.00075%); highest among the groups gnomAD compares: Admixed American, 0.0069%; no homozygotes.

Submissions (2):

Labcorp Genetics (formerly Invitae), Labcorp
Classification: Uncertain significance. Last evaluated: 2024-10-06. Review status: criteria provided, single submitter. Criteria: Invitae Variant Classification Sherloc (09022015). Collection method: clinical testing. Allele origin: germline.
Comment: This sequence change replaces glycine, which is neutral and non-polar, with alanine, which is neutral and non-polar, at codon 252 of the WNT1 protein (p.Gly252Ala). This variant is present in population databases (rs761355556, gnomAD 0.007%). This variant has not been reported in the literature in individuals affected with WNT1-related conditions. ClinVar contains an entry for this variant (Variation ID: 2173925). Invitae Evidence Modeling of protein sequence and biophysical properties (such as structural, functional, and spatial information, amino acid conservation, physicochemical variation, residue mobility, and thermodynamic stability) indicates that this missense variant is not expected to disrupt WNT1 protein function with a negative predictive value of 80%. In summary, the available evidence is currently insufficient to determine the role of this variant in disease. Therefore, it has been classified as a Variant of Uncertain Significance.

Ambry Genetics
Classification: Uncertain significance for Inborn genetic diseases. Last evaluated: 2024-07-09. Review status: criteria provided, single submitter. Criteria: Ambry Variant Classification Scheme 2023. Collection method: clinical testing. Allele origin: germline.